The following is an entry in ClinVar:

ClinVar aggregate classification (germline): Uncertain significance (1 of 4 stars; one submission).

Conditions:
Autosomal dominant limb-girdle muscular dystrophy type 1D (DNAJB6) (LGMDD1). Also called: MUSCULAR DYSTROPHY, LIMB-GIRDLE, TYPE 1D; MUSCULAR DYSTROPHY, AUTOSOMAL DOMINANT, WITH RIMMED VACUOLES; Autosomal dominant limb-girdle muscular dystrophy type 1D; Muscular dystrophy, limb-girdle, autosomal dominant 1. Identifiers: Orphanet 34516, MedGen C4721885, MONDO:0021018, OMIM 603511.

Submission:

Labcorp Genetics (formerly Invitae), Labcorp
Classification: Uncertain significance for Autosomal dominant limb-girdle muscular dystrophy type 1D (DNAJB6). Last evaluated: 2025-03-30. Review status: criteria provided, single submitter. Criteria: Invitae Variant Classification Sherloc (09022015). Collection method: clinical testing. Allele origin: germline.
Comment: This sequence change replaces phenylalanine, which is neutral and non-polar, with leucine, which is neutral and non-polar, at codon 119 of the DNAJB6 protein (p.Phe119Leu). This variant is not present in population databases (gnomAD no frequency). This variant has not been reported in the literature in individuals affected with DNAJB6-related conditions. Invitae Evidence Modeling of protein sequence and biophysical properties (such as structural, functional, and spatial information, amino acid conservation, physicochemical variation, residue mobility, and thermodynamic stability) indicates that this missense variant is not expected to disrupt DNAJB6 protein function with a negative predictive value of 80%. In summary, the available evidence is currently insufficient to determine the role of this variant in disease. Therefore, it has been classified as a Variant of Uncertain Significance.

NM_058246.4(DNAJB6):c.357T>G (p.Phe119Leu)

Gene: DNAJB6 (DnaJ heat shock protein family (Hsp40) member B6; plus strand). Cytogenetic location: 7q36.3.
Variant type: single nucleotide variant.
Coding change: c.357T>G on transcript NM_058246.4 (MANE Select); coding-DNA position 357, T replaced by G.
Protein change: p.Phe119Leu; replaces phenylalanine 119 with leucine.
Molecular consequence: missense variant. On other transcripts: intron variant (1).
Genome position (GRCh38, 1-based): chr7:157,382,256, T>G. VCF-style: chr7-157382256-T-G. GRCh37 (hg19) VCF-style: chr7-157174950-T-G.
Other names: c.357T>G, p.Phe119Leu (NM_005494.3); c.346+14773T>G (NM_001363676.1); short protein forms F119L.
Identifiers: ClinVar variation 3706387 (VCV003706387.2).